The following is an entry in ClinVar:

NM_177438.3(DICER1):c.5423T>C (p.Met1808Thr)

Gene: DICER1 (dicer 1, ribonuclease III; minus strand). Cytogenetic location: 14q32.13.
Variant type: single nucleotide variant.
Coding change: c.5423T>C on transcript NM_177438.3 (MANE Select); coding-DNA position 5423, T replaced by C.
Protein change: p.Met1808Thr; replaces methionine 1808 with threonine.
Molecular consequence: missense variant. On other transcripts: non-coding transcript variant (6), intron variant (1).
Genome position (GRCh38, 1-based): chr14:95,091,307, A>G on the plus strand (T>C on the coding strand, the complement: DICER1 is on the minus strand). VCF-style: chr14-95091307-A-G. GRCh37 (hg19) VCF-style: chr14-95557644-A-G.
Other names: c.5423T>C, p.Met1808Thr (NM_001271282.3, NM_001291628.2, NM_001395677.1 and 8 more transcripts); c.5141T>C, p.Met1714Thr (NM_001395686.1); c.5018T>C, p.Met1673Thr (NM_001395687.1, NM_001395688.1, NM_001395689.1 and 1 more transcripts); c.4856T>C, p.Met1619Thr (NM_001395691.1); c.3740T>C, p.Met1247Thr (NM_001395697.1); c.5365-198T>C (NM_001195573.1); short protein forms M1673T, M1808T, M1619T, M1714T, M1247T.
Identifiers: ClinVar variation 1747456 (VCV001747456.2), dbSNP rs2139778507, ClinGen allele CA390864689.

ClinVar aggregate classification (germline): Uncertain significance (1 of 4 stars; one submission).

Conditions:
Hereditary cancer-predisposing syndrome. Also called: Hereditary Cancer Syndrome; Neoplastic Syndromes, Hereditary; Tumor predisposition; Hereditary neoplastic syndrome. Identifiers: Orphanet 140162, MedGen C0027672, MeSH D009386, MONDO:0015356.

Submission:

Ambry Genetics
Classification: Uncertain significance for Hereditary cancer-predisposing syndrome. Last evaluated: 2020-09-16. Review status: criteria provided, single submitter. Criteria: Ambry Variant Classification Scheme 2023. Collection method: clinical testing. Allele origin: germline.
Comment: The p.M1808T variant (also known as c.5423T>C), located in coding exon 24 of the DICER1 gene, results from a T to C substitution at nucleotide position 5423. The methionine at codon 1808 is replaced by threonine, an amino acid with similar properties. This amino acid position is highly conserved in available vertebrate species. In addition, this alteration is predicted to be deleterious by in silico analysis. Since supporting evidence is limited at this time, the clinical significance of this alteration remains unclear.